The following is an entry in ClinVar:

NM_181783.4(TMTC3):c.335A>G (p.Lys112Arg)

Gene: TMTC3 (transmembrane O-mannosyltransferase targeting cadherins 3; plus strand). Cytogenetic location: 12q21.32.
Variant type: single nucleotide variant.
Coding change: c.335A>G on transcript NM_181783.4 (MANE Select); coding-DNA position 335, A replaced by G.
Protein change: p.Lys112Arg; replaces lysine 112 with arginine.
Molecular consequence: missense variant. On other transcripts: non-coding transcript variant (1), intron variant (2).
Genome position (GRCh38, 1-based): chr12:88,153,436, A>G. VCF-style: chr12-88153436-A-G. GRCh37 (hg19) VCF-style: chr12-88547213-A-G.
Other names: c.155A>G, p.Lys52Arg (NM_001366574.1); c.68A>G, p.Lys23Arg (NM_001366580.1); c.190-852A>G (NM_001366579.1); c.-285-852A>G (NM_001366583.1); short protein forms K112R, K23R, K52R.
Identifiers: ClinVar variation 723618 (VCV000723618.12), dbSNP rs77028313, ClinGen allele CA6713017.

ClinVar aggregate classification (germline): Benign. Review status: criteria provided, single submitter (1 of 4 stars). 2 submissions from 2 submitters: Benign (1). 1 of the submissions does not count toward it. Last evaluated 2026-01-15.

Conditions:
TMTC3-related disorder. Also called: TMTC3-related condition.

Allele frequency attached by ClinVar (database versions not stated): ESP Exome Variant Server 0.00046; gnomAD 0.00153 and 0.00230; TOPMed 0.00248; ExAC 0.00453; 1000 Genomes Project 30x 0.00796; 1000 Genomes Project 0.00879.
gnomAD v4.1: 3,600 of 1,613,684 alleles (0.22%); highest among the groups gnomAD compares: East Asian, 5.2%; 72 homozygotes.

Submissions (2):

Labcorp Genetics (formerly Invitae), Labcorp
Classification: Benign. Last evaluated: 2026-01-15. Review status: criteria provided, single submitter. Criteria: Invitae Variant Classification Sherloc (09022015). Collection method: clinical testing. Allele origin: germline.

PreventionGenetics, part of Exact Sciences
Classification: Benign for TMTC3-related condition. Last evaluated: 2019-06-27. Review status: no assertion criteria provided. Collection method: clinical testing. Allele origin: germline. Not counted in ClinVar's aggregate classification.
Comment: This variant is classified as benign based on ACMG/AMP sequence variant interpretation guidelines (Richards et al. 2015 PMID: 25741868, with internal and published modifications).